The following is an entry in ClinVar:

NM_001034853.2(RPGR):c.2385G>C (p.Glu795Asp)

Gene: RPGR (retinitis pigmentosa GTPase regulator; minus strand). Cytogenetic location: Xp11.4.
Variant type: single nucleotide variant.
Coding change: c.2385G>C on transcript NM_001034853.2 (MANE Select); coding-DNA position 2385, G replaced by C.
Protein change: p.Glu795Asp; replaces glutamic acid 795 with aspartic acid.
Molecular consequence: missense variant. On other transcripts: intron variant (8).
Genome position (GRCh38, 1-based): chrX:38,286,614, C>G on the plus strand (G>C on the coding strand, the complement: RPGR is on the minus strand). VCF-style: chrX-38286614-C-G. GRCh37 (hg19) VCF-style: chrX-38145867-C-G.
Other names: c.1569+4345G>C (NM_001367249.1, NM_001367250.1); c.1902+480G>C (NM_001367245.1); c.1386+4345G>C (NM_001367251.1); c.1719+480G>C (NM_001367246.1); c.1572+4345G>C (NM_001367247.1); c.1905+480G>C (NM_000328.3); c.1602+4345G>C (NM_001367248.1); c.2385G>C (NM_001034853.1); short protein forms E795D.
Identifiers: ClinVar variation 2143835 (VCV002143835.6), dbSNP rs1229688029, ClinGen allele CA412730765.

ClinVar aggregate classification (germline): Likely benign. Review status: criteria provided, multiple submitters, no conflicts (2 of 4 stars). 3 submissions from 3 submitters: Likely benign (3). Last evaluated 2026-01-28.

Conditions:
RPGR-related disorder. Also called: RPGR-related condition.
Primary ciliary dyskinesia. Also called: Ciliary dyskinesia. Identifiers: Orphanet 244, MedGen C0008780, MONDO:0016575, HP:0012265.

Allele frequency attached by ClinVar (database versions not stated): gnomAD 0.00007; TOPMed 0.00012.
gnomAD v4.1: 56 of 1,118,543 alleles (0.005%); highest among the groups gnomAD compares: Admixed American, 0.16%; no homozygotes.

Submissions (3):

Labcorp Genetics (formerly Invitae), Labcorp
Classification: Likely benign for Primary ciliary dyskinesia. Last evaluated: 2026-01-28. Review status: criteria provided, single submitter. Criteria: Invitae Variant Classification Sherloc (09022015). Collection method: clinical testing. Allele origin: germline.

PreventionGenetics, part of Exact Sciences
Classification: Likely benign for RPGR-related condition. Last evaluated: 2025-12-12. Review status: criteria provided, single submitter. Criteria: ACMG Guidelines, 2015. Collection method: clinical testing. Allele origin: germline.
Comment: This variant is classified as likely benign based on ACMG/AMP sequence variant interpretation guidelines (Richards et al. 2015 PMID: 25741868, with internal and published modifications).

Blueprint Genetics
Classification: Likely benign. Last evaluated: 2020-11-16. Review status: criteria provided, single submitter. Criteria: ACMG Guidelines, 2015. Collection method: clinical testing. Allele origin: germline.